The following is an entry in ClinVar:

ClinVar aggregate classification (germline): Likely benign (1 of 4 stars; one submission).

Submission:

CeGaT Center for Human Genetics Tuebingen
Classification: Likely benign. Last evaluated: 2023-01-01. Review status: criteria provided, single submitter. Criteria: CeGaT Center For Human Genetics Tuebingen Variant Classification Criteria Version 2. Collection method: clinical testing. Allele origin: germline. Affected: yes. Observed: 1 variant allele.
Comment: TMEM67: PM2:Supporting, BP4, BP7

NM_153704.6(TMEM67):c.1392T>G (p.Val464=)

Gene: TMEM67 (transmembrane protein 67; plus strand). Cytogenetic location: 8q22.1.
Variant type: single nucleotide variant.
Coding change: c.1392T>G on transcript NM_153704.6 (MANE Select); coding-DNA position 1392, T replaced by G.
Protein change: p.Val464=; no amino-acid change (valine 464 retained).
Molecular consequence: synonymous variant. On other transcripts: non-coding transcript variant (1).
Genome position (GRCh38, 1-based): chr8:93,786,326, T>G. VCF-style: chr8-93786326-T-G. GRCh37 (hg19) VCF-style: chr8-94798554-T-G.
Other names: c.1149T>G, p.Val383= (NM_001142301.1).
Identifiers: ClinVar variation 2658690 (VCV002658690.24), dbSNP rs2536864631, ClinGen allele CA461859096.